The following is an entry in ClinVar:

ClinVar aggregate classification (germline): Uncertain significance (1 of 4 stars; one submission).

Submission:

GeneDx
Classification: Uncertain significance. Last evaluated: 2025-06-11. Review status: criteria provided, single submitter. Criteria: GeneDx Variant Classification Process June 2021. Collection method: clinical testing. Allele origin: germline. Affected: yes.
Comment: Not observed at significant frequency in large population cohorts (gnomAD); In silico analysis suggests that this missense variant does not alter protein structure/function; Has not been previously published as pathogenic or benign to our knowledge

NM_018263.6(ASXL2):c.1403C>T (p.Ala468Val)

Gene: ASXL2 (ASXL transcriptional regulator 2; minus strand). Cytogenetic location: 2p23.3.
Variant type: single nucleotide variant.
Coding change: c.1403C>T on transcript NM_018263.6 (MANE Select); coding-DNA position 1403, C replaced by T.
Protein change: p.Ala468Val; replaces alanine 468 with valine.
Molecular consequence: missense variant.
Genome position (GRCh38, 1-based): chr2:25,750,153, G>A on the plus strand (C>T on the coding strand, the complement: ASXL2 is on the minus strand). VCF-style: chr2-25750153-G-A. GRCh37 (hg19) VCF-style: chr2-25973022-G-A.
Other names: c.1229C>T, p.Ala410Val (NM_001369346.1); c.623C>T, p.Ala208Val (NM_001369347.1); short protein forms A208V, A410V, A468V.
Identifiers: ClinVar variation 4538151 (VCV004538151.1).